The following is an entry in ClinVar:

ClinVar aggregate classification (germline): Uncertain significance (1 of 4 stars; one submission).

Allele frequency attached by ClinVar (database versions not stated): gnomAD 0.00001 and 0.00003; gnomAD exomes 0.00003; TOPMed 0.00004; ExAC 0.00009.
gnomAD v4.1: 87 of 1,592,572 alleles (0.0055%); highest among the groups gnomAD compares: Middle Eastern, 0.016%; no homozygotes.

Submission:

Labcorp Genetics (formerly Invitae), Labcorp
Classification: Uncertain significance. Last evaluated: 2024-02-06. Review status: criteria provided, single submitter. Criteria: Invitae Variant Classification Sherloc (09022015). Collection method: clinical testing. Allele origin: germline.
Comment: This sequence change replaces alanine, which is neutral and non-polar, with valine, which is neutral and non-polar, at codon 216 of the FSCN2 protein (p.Ala216Val). This variant is present in population databases (rs782488038, gnomAD 0.006%). This variant has not been reported in the literature in individuals affected with FSCN2-related conditions. ClinVar contains an entry for this variant (Variation ID: 1034640). An algorithm developed to predict the effect of missense changes on protein structure and function (PolyPhen-2) suggests that this variant is likely to be tolerated. In summary, the available evidence is currently insufficient to determine the role of this variant in disease. Therefore, it has been classified as a Variant of Uncertain Significance.

NM_012418.4(FSCN2):c.647C>T (p.Ala216Val)

Gene: FSCN2 (fascin actin-bundling protein 2, retinal; plus strand). Cytogenetic location: 17q25.3.
Variant type: single nucleotide variant.
Coding change: c.647C>T on transcript NM_012418.4 (MANE Select); coding-DNA position 647, C replaced by T.
Protein change: p.Ala216Val; replaces alanine 216 with valine.
Molecular consequence: missense variant.
Genome position (GRCh38, 1-based): chr17:81,529,178, C>T. VCF-style: chr17-81529178-C-T. GRCh37 (hg19) VCF-style: chr17-79496204-C-T.
Other names: c.647C>T, p.Ala216Val (NM_001077182.3); short protein forms A216V.
Identifiers: ClinVar variation 1034640 (VCV001034640.8), dbSNP rs782488038, ClinGen allele CA8836743.